The following is an entry in ClinVar:

NM_022124.6(CDH23):c.3059C>T (p.Thr1020Met)

Gene: CDH23 (cadherin related 23; plus strand). Cytogenetic location: 10q22.1.
Variant type: single nucleotide variant.
Coding change: c.3059C>T on transcript NM_022124.6 (MANE Select); coding-DNA position 3059, C replaced by T.
Protein change: p.Thr1020Met; replaces threonine 1020 with methionine.
Molecular consequence: missense variant.
Genome position (GRCh38, 1-based): chr10:71,707,002, C>T. VCF-style: chr10-71707002-C-T. GRCh37 (hg19) VCF-style: chr10-73466759-C-T.
Other names: c.3059C>T (NM_022124.5); c.3059C>T, p.Thr1020Met (NM_001171930.2, NM_001171931.2); short protein forms T1020M.
Identifiers: ClinVar variation 2170922 (VCV002170922.4), dbSNP rs553678036, ClinGen allele CA5544434.

ClinVar aggregate classification (germline): Uncertain significance. Review status: criteria provided, multiple submitters, no conflicts (2 of 4 stars). 4 submissions from 4 submitters: Uncertain significance (4). Last evaluated 2025-06-18.

Conditions:
CDH23-related disorder. Also called: CDH23-related disorders; CDH23-related condition.
Inborn genetic diseases. Identifiers: MedGen C0950123, MeSH D030342.

Allele frequency attached by ClinVar (database versions not stated): 1000 Genomes Project 30x 0.00016; 1000 Genomes Project 0.00020.
gnomAD v4.1: 14 of 1,607,504 alleles (0.00087%); highest among the groups gnomAD compares: Admixed American, 0.0034%; no homozygotes.

Submissions (4):

PreventionGenetics, part of Exact Sciences
Classification: Uncertain significance for CDH23-related condition. Last evaluated: 2025-06-18. Review status: criteria provided, single submitter. Criteria: ACMG Guidelines, 2015. Collection method: clinical testing. Allele origin: germline.
Comment: The CDH23 c.3059C>T variant is predicted to result in the amino acid substitution p.Thr1020Met. To our knowledge, this variant has not been reported in the literature. This variant is reported in 0.0072% of alleles in individuals of African descent in gnomAD. At this time, the clinical significance of this variant is uncertain due to the absence of conclusive functional and genetic evidence.

Ambry Genetics
Classification: Uncertain significance for Inborn genetic diseases. Last evaluated: 2024-07-05. Review status: criteria provided, single submitter. Criteria: Ambry Variant Classification Scheme 2023. Collection method: clinical testing. Allele origin: germline.

Blueprint Genetics
Classification: Uncertain significance. Last evaluated: 2024-06-07. Review status: criteria provided, single submitter. Criteria: ACMG Guidelines, 2015. Collection method: clinical testing. Allele origin: germline.

Labcorp Genetics (formerly Invitae), Labcorp
Classification: Uncertain significance. Last evaluated: 2022-07-19. Review status: criteria provided, single submitter. Criteria: Invitae Variant Classification Sherloc (09022015). Collection method: clinical testing. Allele origin: germline.
Comment: This sequence change replaces threonine, which is neutral and polar, with methionine, which is neutral and non-polar, at codon 1020 of the CDH23 protein (p.Thr1020Met). The frequency data for this variant in the population databases is considered unreliable, as metrics indicate poor data quality at this position in the gnomAD database. This variant has not been reported in the literature in individuals affected with CDH23-related conditions. Algorithms developed to predict the effect of missense changes on protein structure and function are either unavailable or do not agree on the potential impact of this missense change (SIFT: "Deleterious"; PolyPhen-2: "Not Available"; Align-GVGD: "Class C65"). In summary, the available evidence is currently insufficient to determine the role of this variant in disease. Therefore, it has been classified as a Variant of Uncertain Significance.